The following is an entry in ClinVar:

NM_021629.4(GNB4):c.204-4C>G

Gene: GNB4 (G protein subunit beta 4; minus strand). Cytogenetic location: 3q26.33.
Variant type: single nucleotide variant.
Coding change: c.204-4C>G on transcript NM_021629.4 (MANE Select); 4 bases into the intron before coding-DNA position 204, C replaced by G.
Molecular consequence: intron variant.
Genome position (GRCh38, 1-based): chr3:179,416,560, G>C on the plus strand (C>G on the coding strand, the complement: GNB4 is on the minus strand). VCF-style: chr3-179416560-G-C. GRCh37 (hg19) VCF-style: chr3-179134348-G-C.
Identifiers: ClinVar variation 540924 (VCV000540924.16), dbSNP rs377746889, ClinGen allele CA2712535.
Genomic context (GRCh38, chr3:179,416,560, plus strand): 5'-GTTGTATAGCTATCCCAAATAATTAATTTTCCATCTTGAGAAGCACTGACTAGCAGCCTA[G>C]AGGAACAAACACAAAAATAATTTGACACTTAGAGGGAAAAAATAGCTTAAATTGGTTATG-3'

ClinVar aggregate classification (germline): Conflicting classifications of pathogenicity. Review status: criteria provided, conflicting classifications (1 of 4 stars). 3 submissions from 3 submitters: Uncertain significance (1); Benign (1); Likely benign (1). Last evaluated 2025-01-06.

Conditions:
Charcot-Marie-Tooth disease dominant intermediate F. Identifiers: Orphanet 352670, MedGen C4749463, MONDO:0014074, OMIM 615185.

Allele frequency attached by ClinVar (database versions not stated): gnomAD exomes 0.00003; ExAC 0.00004; TOPMed 0.00004; gnomAD 0.00006; ESP Exome Variant Server 0.00008.
gnomAD v4.1: 83 of 1,584,776 alleles (0.0052%); highest among the groups gnomAD compares: Non-Finnish European, 0.0066%; no homozygotes.

Submissions (3):

Women's Health and Genetics/Laboratory Corporation of America, LabCorp
Classification: Benign. Last evaluated: 2025-01-06. Review status: criteria provided, single submitter. Criteria: LabCorp Variant Classification Summary - May 2015. Collection method: clinical testing. Allele origin: germline.
Comment: Variant summary: GNB4 c.204-4C>G alters a conserved nucleotide located close to a canonical splice site and therefore could affect mRNA splicing, leading to a significantly altered protein sequence. Consensus agreement among computation tools predict no significant impact on normal splicing. However, these predictions have yet to be confirmed by functional studies. The variant allele was found at a frequency of 5.2e-05 in 1584776 control chromosomes. The observed variant frequency is approximately 83 fold of the estimated maximal expected allele frequency for a pathogenic variant in GNB4 causing Charcot-Marie-Tooth disease dominant intermediate F phenotype (6.3e-07) (GnomAD v4).To our knowledge, no occurrence of c.204-4C>G in individuals affected with Charcot-Marie-Tooth disease dominant intermediate F and no experimental evidence demonstrating its impact on protein function have been reported. ClinVar contains an entry for this variant (Variation ID: 540924). Based on the evidence outlined above, the variant was classified as benign.

Labcorp Genetics (formerly Invitae), Labcorp
Classification: Likely benign for Charcot-Marie-Tooth disease dominant intermediate F. Last evaluated: 2024-07-16. Review status: criteria provided, single submitter. Criteria: Invitae Variant Classification Sherloc (09022015). Collection method: clinical testing. Allele origin: germline.

Baylor Genetics
Classification: Uncertain significance for Charcot-Marie-Tooth disease dominant intermediate F. Last evaluated: 2018-04-09. Review status: criteria provided, single submitter. Criteria: ACMG Guidelines, 2015. Collection method: clinical testing. Allele origin: paternal. Affected: yes.
Comment: This variant was determined to be of uncertain significance according to ACMG Guidelines, 2015 [PMID:25741868].